The following is an entry in ClinVar:

ClinVar aggregate classification (germline): Uncertain significance. Review status: criteria provided, multiple submitters, no conflicts (2 of 4 stars). 4 submissions from 4 submitters: Uncertain significance (4). Last evaluated 2023-08-21.

Conditions:
Hereditary hemochromatosis (HFE). Identifiers: MedGen C0392514, MONDO:0006507. Disease mechanism: loss of function.
Hemochromatosis type 3 (HFE3). Also called: Hereditary hemochromatosis type 3; TFR2-Related Hemochromatosis; HEMOCHROMATOSIS DUE TO DEFECT IN TRANSFERRIN RECEPTOR 2. Identifiers: Orphanet 225123, MedGen C1858664, MONDO:0011417, OMIM 604250.
Inborn genetic diseases. Identifiers: MedGen C0950123, MeSH D030342.

Allele frequency attached by ClinVar (database versions not stated): TOPMed 0.00002.
gnomAD v4.1: 177 of 1,613,996 alleles (0.011%); highest among the groups gnomAD compares: Non-Finnish European, 0.014%; no homozygotes.

Submissions (4):

Ambry Genetics
Classification: Uncertain significance for Inborn genetic diseases. Last evaluated: 2023-08-21. Review status: criteria provided, single submitter. Criteria: Ambry Variant Classification Scheme 2023. Collection method: clinical testing. Allele origin: germline.

Blueprint Genetics
Classification: Uncertain significance. Last evaluated: 2023-06-27. Review status: criteria provided, single submitter. Criteria: ACMG Guidelines, 2015. Collection method: clinical testing. Allele origin: germline.

Labcorp Genetics (formerly Invitae), Labcorp
Classification: Uncertain significance for Hereditary hemochromatosis. Last evaluated: 2022-08-19. Review status: criteria provided, single submitter. Criteria: Invitae Variant Classification Sherloc (09022015). Collection method: clinical testing. Allele origin: germline.
Comment: This sequence change replaces valine, which is neutral and non-polar, with methionine, which is neutral and non-polar, at codon 496 of the TFR2 protein (p.Val496Met). This variant is present in population databases (rs777532178, gnomAD 0.007%). This variant has not been reported in the literature in individuals affected with TFR2-related conditions. ClinVar contains an entry for this variant (Variation ID: 909892). Algorithms developed to predict the effect of missense changes on protein structure and function output the following: SIFT: "Tolerated"; PolyPhen-2: "Benign"; Align-GVGD: "Class C0". The methionine amino acid residue is found in multiple mammalian species, which suggests that this missense change does not adversely affect protein function. In summary, the available evidence is currently insufficient to determine the role of this variant in disease. Therefore, it has been classified as a Variant of Uncertain Significance.

Illumina Laboratory Services, Illumina
Classification: Uncertain significance for Hemochromatosis type 3. Last evaluated: 2018-01-12. Review status: criteria provided, single submitter. Criteria: ICSL Variant Classification Criteria 13 December 2019. Collection method: clinical testing. Allele origin: germline.

NM_003227.4(TFR2):c.1486G>A (p.Val496Met)

Gene: TFR2 (transferrin receptor 2; minus strand). Cytogenetic location: 7q22.1.
Variant type: single nucleotide variant.
Coding change: c.1486G>A on transcript NM_003227.4 (MANE Select); coding-DNA position 1486, G replaced by A.
Protein change: p.Val496Met; replaces valine 496 with methionine.
Molecular consequence: missense variant.
Genome position (GRCh38, 1-based): chr7:100,628,124, C>T on the plus strand (G>A on the coding strand, the complement: TFR2 is on the minus strand). VCF-style: chr7-100628124-C-T. GRCh37 (hg19) VCF-style: chr7-100225747-C-T.
Other names: c.973G>A, p.Val325Met (NM_001206855.3); short protein forms V325M, V496M.
Identifiers: ClinVar variation 909892 (VCV000909892.8), dbSNP rs777532178, ClinGen allele CA4386402.
Genomic context (GRCh38, chr7:100,628,124, plus strand): 5'-CCAGCTCACCCAGCACTGCGTTGTCCAGGCTCACGTACACTACGGCTTTGAGGTGCAGCA[C>T]GCTGAGGTAGCCCTGTGGGTGGGTGACCAGTGTGGAGTGGGAACCCCCCACCCCCACCTC-3'
Protein context (NP_003218.2, residues 486-506): STEWLEGYLS[Val496Met]LHLKAVVYVS